The following is an entry in ClinVar:

NM_005869.4(CWC27):c.790G>A (p.Asp264Asn)

Gene: CWC27 (CWC27 spliceosome associated cyclophilin; plus strand). Cytogenetic location: 5q12.3.
Variant type: single nucleotide variant.
Coding change: c.790G>A on transcript NM_005869.4 (MANE Select); coding-DNA position 790, G replaced by A.
Protein change: p.Asp264Asn; replaces aspartic acid 264 with asparagine.
Molecular consequence: missense variant.
Genome position (GRCh38, 1-based): chr5:64,804,238, G>A. VCF-style: chr5-64804238-G-A. GRCh37 (hg19) VCF-style: chr5-64100065-G-A.
Other names: c.790G>A, p.Asp264Asn (NM_001297644.1, NM_001297645.2, NM_001318000.2 and 1 more transcripts); short protein forms D264N.
Identifiers: ClinVar variation 1442984 (VCV001442984.6), dbSNP rs773455166, ClinGen allele CA3282100.

ClinVar aggregate classification (germline): Uncertain significance (1 of 4 stars; one submission).

Allele frequency attached by ClinVar (database versions not stated): gnomAD exomes below 0.00001; ExAC 0.00001.
gnomAD v4.1: 1 of 1,604,406 alleles (0.000062%); highest among the groups gnomAD compares: Non-Finnish European, 0.000085%; no homozygotes.

Submission:

Labcorp Genetics (formerly Invitae), Labcorp
Classification: Uncertain significance. Last evaluated: 2022-11-01. Review status: criteria provided, single submitter. Criteria: Invitae Variant Classification Sherloc (09022015). Collection method: clinical testing. Allele origin: germline.
Comment: ClinVar contains an entry for this variant (Variation ID: 1442984). In summary, the available evidence is currently insufficient to determine the role of this variant in disease. Therefore, it has been classified as a Variant of Uncertain Significance. Algorithms developed to predict the effect of missense changes on protein structure and function output the following: SIFT: "Tolerated"; PolyPhen-2: "Benign"; Align-GVGD: "Class C0". The asparagine amino acid residue is found in multiple mammalian species, which suggests that this missense change does not adversely affect protein function. This variant has not been reported in the literature in individuals affected with CWC27-related conditions. This variant is present in population databases (rs773455166, gnomAD 0.002%). This sequence change replaces aspartic acid, which is acidic and polar, with asparagine, which is neutral and polar, at codon 264 of the CWC27 protein (p.Asp264Asn).